The following is an entry in ClinVar:

NM_206933.4(USH2A):c.4714C>T (p.Leu1572Phe)

Gene: USH2A (usherin; minus strand). Cytogenetic location: 1q41.
Variant type: single nucleotide variant.
Coding change: c.4714C>T on transcript NM_206933.4 (MANE Select); coding-DNA position 4714, C replaced by T.
Protein change: p.Leu1572Phe; replaces leucine 1572 with phenylalanine.
Molecular consequence: missense variant.
Genome position (GRCh38, 1-based): chr1:216,097,127, G>A on the plus strand (C>T on the coding strand, the complement: USH2A is on the minus strand). VCF-style: chr1-216097127-G-A. GRCh37 (hg19) VCF-style: chr1-216270469-G-A.
Other names: p.L1572F:CTT>TTT; short protein forms L1572F.
Identifiers: ClinVar variation 48521 (VCV000048521.71), dbSNP rs111033333, ClinGen allele CA143497.

ClinVar aggregate classification (germline): Likely benign. Review status: reviewed by expert panel (3 of 4 stars). 13 submissions from 13 submitters: Likely benign (1). 12 of the submissions do not count toward it. Last evaluated 2019-07-28.

Conditions:
Usher syndrome. Also called: Usher Syndromes; Usher's syndrome. Identifiers: Orphanet 886, MedGen CN469326, MeSH D052245, MONDO:0019501. Disease mechanism: loss of function.
Inborn genetic diseases. Identifiers: MedGen C0950123, MeSH D030342.
Retinitis pigmentosa (RP). Identifiers: Orphanet 791, MedGen C0035334, MeSH D012174, MONDO:0019200, OMIM 268000. Inheritance: Autosomal dominant, autosomal recessive and X linked inheritance.

Allele frequency attached by ClinVar (database versions not stated): gnomAD 0.00060 and 0.00063; ExAC 0.00079; ESP Exome Variant Server 0.00108; 1000 Genomes Project 30x 0.00031; 1000 Genomes Project 0.00040; TOPMed 0.00077; gnomAD exomes 0.00078.
gnomAD v4.1: 1,733 of 1,614,110 alleles (0.11%); highest among the groups gnomAD compares: Non-Finnish European, 0.14%; 2 homozygotes.

Submissions (13):

ClinGen Hearing Loss Variant Curation Expert Panel
Classification: Likely benign for Usher syndrome. Last evaluated: 2019-07-28. Review status: reviewed by expert panel. Criteria: ClinGen HL ACMG Specifications v1. Collection method: curation. Allele origin: germline. Inheritance: Autosomal recessive inheritance.
Comment: The p.Leu1572Phe variant in USH2A gene has a filtering allele frequency= 0.12% in Latino in gnomAD (54/35388 with 95% CI) which is a higher frequency than would be expected for an autosomal recessive pathogenic variant based on the thresholds defined by the ClinGen Hearing Loss Expert Panel (BS1 supporting). It was reported in multiple publications as a polymorphism or as non-pathogenic based on detection among normal control chromosomes or other evidence (PMID: 18273898, 19881469 and 17085681). Although the variant was reported in trans with c.2299delG in one patient diagnosed with Usher syndrome type II and in another with unclassified Usher syndrome (PMID: 25097241 and 28944237), it was also identified in cis with c.2299delG; p.Glu767Serfs and in unknown configuration with c.2299delG and a stop codon (PMID: 25472526), both in patients with Usher syndrome type II (BP2; PMID: 20507924, 25097241, 17405132 and 26969326). Computational prediction using REVEL was 0.65 which did not meet the Hearing Loss Expert Panel (HL EP) specified threshold of >0.7 for PP3. In summary, this variant meets criteria to be classified as likely benign for autosomal recessive Usher syndrome, type 2A based on the HL EP-specified ACMG/AMP criteria applied (BS1, BP2).

CeGaT Center for Human Genetics Tuebingen
Classification: Likely benign. Last evaluated: 2026-04-01. Review status: criteria provided, single submitter. Criteria: CeGaT Center For Human Genetics Tuebingen Variant Classification Criteria Version 2. Collection method: clinical testing. Allele origin: germline. Affected: yes. Observed: 24 variant alleles. Not counted in ClinVar's aggregate classification.
Comment: USH2A: BS2

Labcorp Genetics (formerly Invitae), Labcorp
Classification: Likely benign. Last evaluated: 2026-02-01. Review status: criteria provided, single submitter. Criteria: Invitae Variant Classification Sherloc (09022015). Collection method: clinical testing. Allele origin: germline. Not counted in ClinVar's aggregate classification.

Women's Health and Genetics/Laboratory Corporation of America, LabCorp
Classification: Likely benign. Last evaluated: 2025-11-11. Review status: criteria provided, single submitter. Criteria: LabCorp Variant Classification Summary - May 2015. Collection method: clinical testing. Allele origin: germline. Not counted in ClinVar's aggregate classification.
Comment: Variant summary: USH2A c.4714C>T (p.Leu1572Phe) results in a non-conservative amino acid change in the encoded protein sequence. Algorithms developed to predict the effect of missense changes on protein structure and function all suggest that this variant is likely to be disruptive. The variant allele was found at a frequency of 0.0011 in 1614110 control chromosomes in the gnomAD database, including 2 homozygotes. c.4714C>T has been observed in individual(s) affected with USH2A-related conditions (e.g. Yan_2009, Dreyer_2018, Aller_2006, McGee_2010, Zhao_2015, Baux_2007, Wang_2014, Sloan-Heggen_2016). However, c.4714C>T frequently occurs in cis with a pathogenic USH2A variant, c.2299delG, providing supporting evidence for a benign role. To our knowledge, no experimental evidence demonstrating an impact on protein function has been reported. The following publications have been ascertained in the context of this evaluation (PMID: 17085681, 17405132, 18273898, 20507924, 26969326, 25097241, 19881469, 25472526). ClinVar contains an entry for this variant (Variation ID: 48521). Based on the evidence outlined above, the variant was classified as likely benign.

Blueprint Genetics
Classification: Likely benign. Last evaluated: 2024-11-21. Review status: criteria provided, single submitter. Criteria: ACMG Guidelines, 2015. Collection method: clinical testing. Allele origin: germline. Not counted in ClinVar's aggregate classification.

GeneDx
Classification: Likely benign. Last evaluated: 2020-09-30. Review status: criteria provided, single submitter. Criteria: GeneDx Variant Classification Process June 2021. Collection method: clinical testing. Allele origin: germline. Affected: yes. Not counted in ClinVar's aggregate classification.
Comment: This variant is associated with the following publications: (PMID: 25472526, 25097241, 22025579, 26667666, 26969326, 28944237, 20145675, 22004887, 11311042, 17085681, 29953849, 30245029, 33576794)

ARUP Laboratories, Molecular Genetics and Genomics, ARUP Laboratories
Classification: Benign. Last evaluated: 2018-07-31. Review status: criteria provided, single submitter. Criteria: ARUP Molecular Germline Variant Investigation Process. Collection method: clinical testing. Allele origin: germline. Not counted in ClinVar's aggregate classification.

Eurofins Ntd Llc (ga)
Classification: Benign. Last evaluated: 2014-11-22. Review status: criteria provided, single submitter. Criteria: EGL Classification Definitions 2015. Collection method: clinical testing. Allele origin: germline. Observed: 2 variant alleles, 2 heterozygotes. Not counted in ClinVar's aggregate classification.

Ambry Genetics
Classification: Uncertain significance for Inborn genetic diseases. Last evaluated: 2014-10-13. Review status: criteria provided, single submitter. Criteria: Ambry exome assertion method (8-5-2015). Collection method: clinical testing. Allele origin: germline. Affected: yes. Observed: 1 variant allele. Not counted in ClinVar's aggregate classification.

Laboratory for Molecular Medicine, Mass General Brigham Personalized Medicine
Classification: Benign. Last evaluated: 2008-01-08. Review status: criteria provided, single submitter. Criteria: LMM Criteria. Collection method: clinical testing. Allele origin: germline. Observed: 42 variant alleles. Not counted in ClinVar's aggregate classification.

Breakthrough Genomics
Classification: Likely benign. Review status: criteria provided, single submitter. Criteria: ACMG Guidelines, 2015. Collection method: not provided. Allele origin: germline. Inheritance: Autosomal recessive inheritance. Affected: yes. Not counted in ClinVar's aggregate classification.

NIHR Bioresource Rare Diseases, University of Cambridge
Classification: Likely benign for Retinitis pigmentosa. Last evaluated: 2015-01-01. Review status: no assertion criteria provided. Collection method: research. Allele origin: unknown. Affected: yes. Observed: 1 variant allele. Not counted in ClinVar's aggregate classification.

NEI Ophthalmic Genomics Laboratory, National Institutes of Health
No classification provided. Review status: no classification provided. Collection method: not provided. Allele origin: not provided. Not counted in ClinVar's aggregate classification.

Literature cited by the submitters: PubMed 28944237 (cited by ClinGen Hearing Loss Variant Curation Expert Panel); PubMed 25097241 (cited by ClinGen Hearing Loss Variant Curation Expert Panel and Women's Health and Genetics/Laboratory Corporation of America, LabCorp); PubMed 20507924 (cited by ClinGen Hearing Loss Variant Curation Expert Panel and Women's Health and Genetics/Laboratory Corporation of America, LabCorp); PubMed 26969326 (cited by ClinGen Hearing Loss Variant Curation Expert Panel and Women's Health and Genetics/Laboratory Corporation of America, LabCorp); PubMed 17405132 (cited by 3 submitters); PubMed 18273898 (cited by Women's Health and Genetics/Laboratory Corporation of America, LabCorp); PubMed 25472526 (cited by Women's Health and Genetics/Laboratory Corporation of America, LabCorp); PubMed 19881469 (cited by Women's Health and Genetics/Laboratory Corporation of America, LabCorp); PubMed 17085681 (cited by 3 submitters); PubMed 20145675 (cited by Eurofins Ntd Llc (ga)); PubMed 22025579 (cited by NIHR Bioresource Rare Diseases, University of Cambridge); PubMed 28041643 (cited by NIHR Bioresource Rare Diseases, University of Cambridge).